The following is an entry in ClinVar:

ClinVar aggregate classification (germline): Uncertain significance (1 of 4 stars; one submission).

Submission:

Women's Health and Genetics/Laboratory Corporation of America, LabCorp
Classification: Uncertain significance. Last evaluated: 2024-06-03. Review status: criteria provided, single submitter. Criteria: LabCorp Variant Classification Summary - May 2015. Collection method: clinical testing. Allele origin: germline.
Comment: Variant summary: ARSA c.920C>A (p.Thr307Asn) results in a non-conservative amino acid change in the encoded protein sequence. Four of four in-silico tools predict a damaging effect of the variant on protein function. The variant allele was found at a frequency of 4e-06 in 247312 control chromosomes. The available data on variant occurrences in the general population are insufficient to allow any conclusion about variant significance. To our knowledge, no occurrence of c.920C>A in individuals affected with Metachromatic Leukodystrophy and no experimental evidence demonstrating its impact on protein function have been reported. No submitters have cited clinical-significance assessments for this variant to ClinVar. Based on the evidence outlined above, the variant was classified as uncertain significance.

NM_000487.6(ARSA):c.920C>A (p.Thr307Asn)

Gene: ARSA (arylsulfatase A; minus strand). Cytogenetic location: 22q13.33.
Variant type: single nucleotide variant.
Coding change: c.920C>A on transcript NM_000487.6 (MANE Select); coding-DNA position 920, C replaced by A.
Protein change: p.Thr307Asn; replaces threonine 307 with asparagine.
Molecular consequence: missense variant.
Genome position (GRCh38, 1-based): chr22:50,626,213, G>T on the plus strand (C>A on the coding strand, the complement: ARSA is on the minus strand). VCF-style: chr22-50626213-G-T. GRCh37 (hg19) VCF-style: chr22-51064641-G-T.
Other names: c.920C>A, p.Thr307Asn (NM_001085425.3, NM_001085426.3, NM_001085427.3); c.662C>A, p.Thr221Asn (NM_001085428.3, NM_001362782.2); short protein forms T221N, T307N.
Identifiers: ClinVar variation 3339766 (VCV003339766.1).